The following is an entry in ClinVar:

NM_004836.7(EIF2AK3):c.959T>C (p.Met320Thr)

Gene: EIF2AK3 (eukaryotic translation initiation factor 2 alpha kinase 3; minus strand). Cytogenetic location: 2p11.2.
Variant type: single nucleotide variant.
Coding change: c.959T>C on transcript NM_004836.7 (MANE Select); coding-DNA position 959, T replaced by C.
Protein change: p.Met320Thr; replaces methionine 320 with threonine.
Molecular consequence: missense variant.
Genome position (GRCh38, 1-based): chr2:88,590,861, A>G on the plus strand (T>C on the coding strand, the complement: EIF2AK3 is on the minus strand). VCF-style: chr2-88590861-A-G. GRCh37 (hg19) VCF-style: chr2-88890379-A-G.
Other names: c.506T>C, p.Met169Thr (NM_001313915.2); short protein forms M169T, M320T.
Identifiers: ClinVar variation 1513107 (VCV001513107.6), dbSNP rs1276515547, ClinGen allele CA347595824.

ClinVar aggregate classification (germline): Uncertain significance. Review status: criteria provided, multiple submitters, no conflicts (2 of 4 stars). 2 submissions from 2 submitters: Uncertain significance (2). Last evaluated 2022-10-13.

Conditions:
Wolcott-Rallison dysplasia. Also called: Wolcott-Rallison syndrome; MED-IDDM SYNDROME. Identifiers: Orphanet 1667, MedGen C0432217, MONDO:0009192, OMIM 226980.

Allele frequency attached by ClinVar (database versions not stated): gnomAD exomes below 0.00001; gnomAD 0.00003 and 0.00004; TOPMed 0.00006.
gnomAD v4.1: 11 of 1,613,980 alleles (0.00068%); highest among the groups gnomAD compares: Admixed American, 0.0083%; no homozygotes.

Submissions (2):

Labcorp Genetics (formerly Invitae), Labcorp
Classification: Uncertain significance. Last evaluated: 2022-10-13. Review status: criteria provided, single submitter. Criteria: Invitae Variant Classification Sherloc (09022015). Collection method: clinical testing. Allele origin: germline.
Comment: This sequence change replaces methionine, which is neutral and non-polar, with threonine, which is neutral and polar, at codon 320 of the EIF2AK3 protein (p.Met320Thr). This variant is present in population databases (no rsID available, gnomAD 0.0009%). This variant has not been reported in the literature in individuals affected with EIF2AK3-related conditions. ClinVar contains an entry for this variant (Variation ID: 1513107). Algorithms developed to predict the effect of missense changes on protein structure and function (SIFT, PolyPhen-2, Align-GVGD) all suggest that this variant is likely to be tolerated. In summary, the available evidence is currently insufficient to determine the role of this variant in disease. Therefore, it has been classified as a Variant of Uncertain Significance.

Fulgent Genetics
Classification: Uncertain significance for Wolcott-Rallison dysplasia. Last evaluated: 2022-02-18. Review status: criteria provided, single submitter. Criteria: ACMG Guidelines, 2015. Collection method: clinical testing. Allele origin: unknown.